The following is an entry in ClinVar:

ClinVar aggregate classification (germline): Uncertain significance (1 of 4 stars; one submission).

Conditions:
Inborn genetic diseases. Identifiers: MedGen C0950123, MeSH D030342.

gnomAD v4.1: 7 of 1,614,052 alleles (0.00043%); highest among the groups gnomAD compares: African/African-American, 0.004%; no homozygotes.

Submission:

Ambry Genetics
Classification: Uncertain significance for Inborn genetic diseases. Last evaluated: 2026-08-27. Review status: criteria provided, single submitter. Criteria: Ambry Variant Classification Scheme 2023. Collection method: clinical testing. Allele origin: germline.
Comment: The c.628T>C (p.S210P) alteration is located in exon 4 (coding exon 3) of the RNF216 gene. This alteration results from a T to C substitution at nucleotide position 628, causing the serine (S) at amino acid position 210 to be replaced by a proline (P). Based on data from gnomAD, the C allele has an overall frequency of 0.002% (5/282850) total alleles studied. The highest observed frequency was 0.014% (1/7222) of Other alleles. Based on insufficient or conflicting evidence, the clinical significance of this alteration remains unclear.

NM_207111.4(RNF216):c.628T>C (p.Ser210Pro)

Gene: RNF216 (ring finger protein 216; minus strand). Cytogenetic location: 7p22.1.
Variant type: single nucleotide variant.
Coding change: c.628T>C on transcript NM_207111.4 (MANE Select); coding-DNA position 628, T replaced by C.
Protein change: p.Ser210Pro; replaces serine 210 with proline.
Molecular consequence: missense variant.
Genome position (GRCh38, 1-based): chr7:5,741,389, A>G on the plus strand (T>C on the coding strand, the complement: RNF216 is on the minus strand). VCF-style: chr7-5741389-A-G. GRCh37 (hg19) VCF-style: chr7-5781020-A-G.
Other names: c.457T>C, p.Ser153Pro (NM_001377156.1, NM_207116.3); short protein forms S210P, S153P.
Identifiers: ClinVar variation 5028309 (VCV005028309.1).
Genomic context (GRCh38, chr7:5,741,389, plus strand): 5'-ACCAGCAGTCTTCTTCGATGGCCTGATCATCTGCTAGAGCAGCTGACTCTCCTAGATTTG[A>G]TAACAGCTCTGTCTCTGAGTCTTCGGATGACTGGTTCTGAGTTTCCAAAGGATCGCTTTC-3'
Protein context (NP_996994.1, residues 200-220): SSEDSETELL[Ser210Pro]NLGESAALAD